The following is an entry in ClinVar:

ClinVar aggregate classification (germline): Conflicting classifications of pathogenicity. Review status: criteria provided, conflicting classifications (1 of 4 stars). 2 submissions from 2 submitters: Uncertain significance (1); Likely benign (1). Last evaluated 2025-08-05.

gnomAD v4.1: 764 of 1,536,024 alleles (0.05%); highest among the groups gnomAD compares: African/African-American, 0.95%; 3 homozygotes.

Submissions (2):

Ambry Genetics
Classification: Uncertain significance. Last evaluated: 2025-08-05. Review status: criteria provided, single submitter. Criteria: Ambry Variant Classification Scheme 2023. Collection method: clinical testing. Allele origin: germline.

CeGaT Center for Human Genetics Tuebingen
Classification: Likely benign. Last evaluated: 2025-04-01. Review status: criteria provided, single submitter. Criteria: CeGaT Center For Human Genetics Tuebingen Variant Classification Criteria Version 2. Collection method: clinical testing. Allele origin: germline. Affected: yes. Observed: 1 variant allele.
Comment: CCDC180: BS2

NM_020893.6(CCDC180):c.2521C>G (p.His841Asp)

Genes: CCDC180 (coiled-coil domain containing 180; plus strand), SUGT1P4-STRA6LP-CCDC180 (SUGT1P4-STRA6LP-CCDC180 readthrough; plus strand). Cytogenetic location: 9q22.33.
Variant type: single nucleotide variant.
Coding change: c.2521C>G on transcript NM_020893.6 (MANE Select); coding-DNA position 2521, C replaced by G.
Protein change: p.His841Asp; replaces histidine 841 with aspartic acid.
Molecular consequence: missense variant. On other transcripts: non-coding transcript variant (1).
Genome position (GRCh38, 1-based): chr9:97,347,336, C>G. VCF-style: chr9-97347336-C-G. GRCh37 (hg19) VCF-style: chr9-100109618-C-G.
Other names: c.2653C>G (NM_020893.2); short protein forms H841D.
Identifiers: ClinVar variation 3898211 (VCV003898211.8).